The following is an entry in ClinVar:

NM_020207.7(ERCC6L2):c.1039A>G (p.Lys347Glu)

Gene: ERCC6L2 (ERCC excision repair 6 like 2; plus strand). Cytogenetic location: 9q22.32.
Variant type: single nucleotide variant.
Coding change: c.1039A>G on transcript NM_020207.7 (MANE Select); coding-DNA position 1039, A replaced by G.
Protein change: p.Lys347Glu; replaces lysine 347 with glutamic acid.
Molecular consequence: missense variant. On other transcripts: non-coding transcript variant (1).
Genome position (GRCh38, 1-based): chr9:95,916,315, A>G. VCF-style: chr9-95916315-A-G. GRCh37 (hg19) VCF-style: chr9-98678597-A-G.
Other names: c.1039A>G, p.Lys347Glu (NM_001010895.4, NM_001375291.1, NM_001375292.1 and 2 more transcripts); short protein forms K347E.
Identifiers: ClinVar variation 4618743 (VCV004618743.1).

ClinVar aggregate classification (germline): Uncertain significance (1 of 4 stars; one submission).

Conditions:
Inborn genetic diseases. Identifiers: MedGen C0950123, MeSH D030342.

Submission:

Ambry Genetics
Classification: Uncertain significance for Inborn genetic diseases. Last evaluated: 2025-10-28. Review status: criteria provided, single submitter. Criteria: Ambry Variant Classification Scheme 2023. Collection method: clinical testing. Allele origin: germline.
Comment: The p.K347E variant (also known as c.1039A>G), located in coding exon 6 of the ERCC6L2 gene, results from an A to G substitution at nucleotide position 1039. The lysine at codon 347 is replaced by glutamic acid, an amino acid with similar properties. This amino acid position is conserved. In addition, this alteration is predicted to be deleterious by in silico analysis. Based on the available evidence, the clinical significance of this variant remains unclear.